The following is an entry in ClinVar:

ClinVar aggregate classification (germline): Uncertain significance. Review status: criteria provided, multiple submitters, no conflicts (2 of 4 stars). 2 submissions from 2 submitters: Uncertain significance (2). Last evaluated 2024-10-18.

Conditions:
Hereditary cancer-predisposing syndrome. Also called: Neoplastic Syndromes, Hereditary; Tumor predisposition; Hereditary neoplastic syndrome; Hereditary Cancer Syndrome. Identifiers: Orphanet 140162, MedGen C0027672, MeSH D009386, MONDO:0015356.
Lynch syndrome. Identifiers: Orphanet 144, MedGen C4552100, MONDO:0005835. Disease mechanism: loss of function.

Submissions (2):

Ambry Genetics
Classification: Uncertain significance for Hereditary cancer-predisposing syndrome. Last evaluated: 2024-10-18. Review status: criteria provided, single submitter. Criteria: Ambry Variant Classification Scheme 2023. Collection method: clinical testing. Allele origin: germline.
Comment: The p.V586M variant (also known as c.1756G>A), located in coding exon 4 of the MSH6 gene, results from a G to A substitution at nucleotide position 1756. The valine at codon 586 is replaced by methionine, an amino acid with highly similar properties. This amino acid position is conserved. In addition, the in silico prediction for this alteration is inconclusive. Based on the available evidence, the clinical significance of this variant remains unclear.

All of Us Research Program, National Institutes of Health
Classification: Uncertain significance for Lynch syndrome. Last evaluated: 2023-07-19. Review status: criteria provided, single submitter. Criteria: ACMG Guidelines, 2015. Collection method: clinical testing. Allele origin: germline. Inheritance: Autosomal dominant inheritance. Observed: 1 variant allele, 1 heterozygote.
Comment: This missense variant replaces valine with methionine at codon 586 of the MSH6 protein. Computational prediction is inconclusive regarding the impact of this variant on protein structure and function (internally defined REVEL score threshold 0.5 < inconclusive < 0.7, PMID: 27666373). To our knowledge, functional studies have not been reported for this variant. This variant has not been reported in individuals affected with MSH6-related disorders in the literature. This variant has not been identified in the general population by the Genome Aggregation Database (gnomAD). The available evidence is insufficient to determine the role of this variant in disease conclusively. Therefore, this variant is classified as a Variant of Uncertain Significance.

This study involves interpretation of variants in research participants for the purpose of population health screening. Participant phenotype was not available at the time of variant classification. Additional details can be found in publication PMID: 35346344, PMCID: PMC8962531

NM_000179.3(MSH6):c.1756G>A (p.Val586Met)

Gene: MSH6 (mutS homolog 6; plus strand). Cytogenetic location: 2p16.3.
Variant type: single nucleotide variant.
Coding change: c.1756G>A on transcript NM_000179.3 (MANE Select); coding-DNA position 1756, G replaced by A.
Protein change: p.Val586Met; replaces valine 586 with methionine.
Molecular consequence: missense variant. On other transcripts: non-coding transcript variant (4), intron variant (2).
Genome position (GRCh38, 1-based): chr2:47,799,739, G>A. VCF-style: chr2-47799739-G-A. GRCh37 (hg19) VCF-style: chr2-48026878-G-A.
Other names: c.1366G>A, p.Val456Met (NM_001281492.2); c.850G>A, p.Val284Met (NM_001281493.2, NM_001281494.2, NM_001406811.1 and 6 more transcripts); c.1852G>A, p.Val618Met (NM_001406795.1, NM_001406802.1); c.1756G>A, p.Val586Met (NM_001406796.1, NM_001406798.1, NM_001406800.1 and 3 more transcripts); c.1459G>A, p.Val487Met (NM_001406797.1, NM_001406801.1, NM_001406805.1 and 10 more transcripts); c.1231G>A, p.Val411Met (NM_001406799.1, NM_001406806.1, NM_001406807.1); c.1678G>A, p.Val560Met (NM_001406804.1); c.1762G>A, p.Val588Met (NM_001406813.1); and 3 more; short protein forms V284M, V411M, V456M, V487M, V530M, V560M, V586M, V588M.
Identifiers: ClinVar variation 3074399 (VCV003074399.2), dbSNP rs1044963129, ClinGen allele CA346749007.
Genomic context (GRCh38, chr2:47,799,739, plus strand): 5'-GGAAAGTTTTTCATAGGTCAGTTTTCAGATGATCGCCATTGTTCGAGATTTAGGACTCTA[G>A]TGGCACACTATCCCCCAGTACAAGTTTTATTTGAAAAAGGAAATCTCTCAAAGGAAACTA-3'
Protein context (NP_000170.1, residues 576-596): DRHCSRFRTL[Val586Met]AHYPPVQVLF